The following is an entry in ClinVar:

ClinVar aggregate classification (germline): Likely pathogenic. Review status: criteria provided, multiple submitters, no conflicts (2 of 4 stars). 4 submissions from 3 submitters: Likely pathogenic (4). Last evaluated 2024-08-26.

Conditions:
Hypokalemic periodic paralysis, type 1. Also called: HypoPP; Hypokalemic Periodic Paralysis Type 1 (AD). Identifiers: Orphanet 681, MedGen C3714580, MONDO:0042979, OMIM 170400.
Malignant hyperthermia, susceptibility to, 5 (MHS5). Also called: CACNA1S-Related Malignant Hyperthermia Susceptibility. Identifiers: Orphanet 423, MedGen C1866077, MONDO:0011163, OMIM 601887.

Allele frequency attached by ClinVar (database versions not stated): gnomAD exomes below 0.00001 and 0.00001; ExAC 0.00001.
gnomAD v4.1: 7 of 1,614,154 alleles (0.00043%); highest among the groups gnomAD compares: Non-Finnish European, 0.00059%; no homozygotes.

Submissions (4):

Labcorp Genetics (formerly Invitae), Labcorp
Classification: Likely pathogenic for Hypokalemic periodic paralysis, type 1; Malignant hyperthermia, susceptibility to, 5. Last evaluated: 2024-08-26. Review status: criteria provided, single submitter. Criteria: Invitae Variant Classification Sherloc (09022015). Collection method: clinical testing. Allele origin: germline.
Comment: This sequence change affects an acceptor splice site in intron 9 of the CACNA1S gene. It is expected to disrupt RNA splicing. Variants that disrupt the donor or acceptor splice site typically lead to a loss of protein function (PMID: 16199547), and loss-of-function variants in CACNA1S are known to be pathogenic (PMID: 26247046, 28012042). This variant is present in population databases (rs760082356, gnomAD 0.002%). This variant has not been reported in the literature in individuals affected with CACNA1S-related conditions. ClinVar contains an entry for this variant (Variation ID: 1502887). Algorithms developed to predict the effect of sequence changes on RNA splicing suggest that this variant may disrupt the consensus splice site. In summary, the currently available evidence indicates that the variant is pathogenic, but additional data are needed to prove that conclusively. Therefore, this variant has been classified as Likely Pathogenic.

Genome-Nilou Lab
Classification: Likely pathogenic for Malignant hyperthermia, susceptibility to, 5. Last evaluated: 2023-04-11. Review status: criteria provided, single submitter. Criteria: ACMG Guidelines, 2015. Collection method: clinical testing. Allele origin: germline. Affected: no.

Genome-Nilou Lab
Classification: Likely pathogenic for Hypokalemic periodic paralysis, type 1. Last evaluated: 2023-04-11. Review status: criteria provided, single submitter. Criteria: ACMG Guidelines, 2015. Collection method: clinical testing. Allele origin: germline. Affected: no.

Johns Hopkins Genomics, Johns Hopkins University
Classification: Likely pathogenic for Hypokalemic periodic paralysis, type 1. Last evaluated: 2022-06-20. Review status: criteria provided, single submitter. Criteria: ACMG Guidelines, 2015. Collection method: clinical testing. Allele origin: germline.
Comment: This CACNA1S variant (rs760082356) is rare (<0.1%) in a large population dataset (gnomAD: 2/251438 total alleles; 0.0008%; no homozygotes) and has been reported in ClinVar. Bioinformatic analysis predicts that this variant would disrupt the canonical splice acceptor site for exon 10 although this has not been confirmed experimentally to our knowledge. This variant has not been reported in the literature in individuals affected with MHS5. We consider c.1233-1G>A to be likely pathogenic.

Literature cited by the submitters: PubMed 16199547 (cited by Labcorp Genetics (formerly Invitae), Labcorp); PubMed 26247046 (cited by Labcorp Genetics (formerly Invitae), Labcorp); PubMed 28012042 (cited by Labcorp Genetics (formerly Invitae), Labcorp); PubMed 11260227 (cited by Johns Hopkins Genomics, Johns Hopkins University); PubMed 9199552 (cited by Johns Hopkins Genomics, Johns Hopkins University).

NM_000069.3(CACNA1S):c.1233-1G>A

Gene: CACNA1S (calcium voltage-gated channel subunit alpha1 S; minus strand). Cytogenetic location: 1q32.1.
Variant type: single nucleotide variant.
Coding change: c.1233-1G>A on transcript NM_000069.3 (MANE Select); the canonical splice acceptor site of the intron before coding-DNA position 1233, G replaced by A.
Molecular consequence: splice acceptor variant.
Genome position (GRCh38, 1-based): chr1:201,083,323, C>T on the plus strand (G>A on the coding strand, the complement: CACNA1S is on the minus strand). VCF-style: chr1-201083323-C-T. GRCh37 (hg19) VCF-style: chr1-201052451-C-T.
Identifiers: ClinVar variation 1502887 (VCV001502887.8), dbSNP rs760082356, ClinGen allele CA078063.